The following is an entry in ClinVar:

NM_001256864.2(DNAJC6):c.2003T>A (p.Leu668His)

Gene: DNAJC6 (DnaJ heat shock protein family (Hsp40) member C6; plus strand). Cytogenetic location: 1p31.3.
Variant type: single nucleotide variant.
Coding change: c.2003T>A on transcript NM_001256864.2 (MANE Select); coding-DNA position 2003, T replaced by A.
Protein change: p.Leu668His; replaces leucine 668 with histidine.
Molecular consequence: missense variant.
Genome position (GRCh38, 1-based): chr1:65,394,997, T>A. VCF-style: chr1-65394997-T-A. GRCh37 (hg19) VCF-style: chr1-65860680-T-A.
Other names: c.1793T>A, p.Leu598His (NM_001256865.2); c.1832T>A, p.Leu611His (NM_014787.4); short protein forms L668H, L598H, L611H.
Identifiers: ClinVar variation 1491251 (VCV001491251.6), dbSNP rs1363537326, ClinGen allele CA340690418.
Genomic context (GRCh38, chr1:65,394,997, plus strand): 5'-CAGGTCAGGATTTGCTGGGTTCTTTTCTGAACACATCCAGTGCTTCCAGTGACCCCTTTC[T>A]CCAGCCAACAAGAAGTCCTTCGCCCACAGTACATGGTAAGGAAATATTTTATATTGTGTT-3'
Protein context (NP_001243793.1, residues 658-678): NTSSASSDPF[Leu668His]QPTRSPSPTV

ClinVar aggregate classification (germline): Uncertain significance (1 of 4 stars; one submission).

Conditions:
Juvenile onset Parkinson disease 19A. Also called: PARK19; DNAJC6 Parkinson Disease. Identifiers: Orphanet 391411, MedGen C3809811, MONDO:0014231, OMIM 615528.

Allele frequency attached by ClinVar (database versions not stated): gnomAD 0.00001.
gnomAD v4.1: 3 of 1,612,326 alleles (0.00019%); highest among the groups gnomAD compares: Admixed American, 0.0033%; no homozygotes.

Submission:

Labcorp Genetics (formerly Invitae), Labcorp
Classification: Uncertain significance for Juvenile onset Parkinson disease 19A. Last evaluated: 2021-11-10. Review status: criteria provided, single submitter. Criteria: Invitae Variant Classification Sherloc (09022015). Collection method: clinical testing. Allele origin: germline.
Comment: This sequence change replaces leucine, which is neutral and non-polar, with histidine, which is basic and polar, at codon 668 of the DNAJC6 protein (p.Leu668His). This variant is not present in population databases (gnomAD no frequency). This variant has not been reported in the literature in individuals affected with DNAJC6-related conditions. Algorithms developed to predict the effect of missense changes on protein structure and function are either unavailable or do not agree on the potential impact of this missense change (SIFT: "Tolerated"; PolyPhen-2: "Probably Damaging"; Align-GVGD: "Class C0"). In summary, the available evidence is currently insufficient to determine the role of this variant in disease. Therefore, it has been classified as a Variant of Uncertain Significance.